The following is an entry in ClinVar:

NM_021020.5(LZTS1):c.151G>A (p.Gly51Ser)

Gene: LZTS1 (leucine zipper tumor suppressor 1; minus strand). Cytogenetic location: 8p21.3.
Variant type: single nucleotide variant.
Coding change: c.151G>A on transcript NM_021020.5 (MANE Select); coding-DNA position 151, G replaced by A.
Protein change: p.Gly51Ser; replaces glycine 51 with serine.
Molecular consequence: missense variant.
Genome position (GRCh38, 1-based): chr8:20,255,031, C>T on the plus strand (G>A on the coding strand, the complement: LZTS1 is on the minus strand). VCF-style: chr8-20255031-C-T. GRCh37 (hg19) VCF-style: chr8-20112542-C-T.
Other names: c.151G>A, p.Gly51Ser (NM_001362884.2); short protein forms G51S.
Identifiers: ClinVar variation 2084429 (VCV002084429.6), dbSNP rs367756245, ClinGen allele CA4657592.

ClinVar aggregate classification (germline): Uncertain significance. Review status: criteria provided, multiple submitters, no conflicts (2 of 4 stars). 2 submissions from 2 submitters: Uncertain significance (2). Last evaluated 2025-12-26.

Allele frequency attached by ClinVar (database versions not stated): ExAC 0.00002; gnomAD 0.00002; ESP Exome Variant Server 0.00008.
gnomAD v4.1: 39 of 1,614,070 alleles (0.0024%); highest among the groups gnomAD compares: South Asian, 0.0055%; no homozygotes.

Submissions (2):

Labcorp Genetics (formerly Invitae), Labcorp
Classification: Uncertain significance. Last evaluated: 2025-12-26. Review status: criteria provided, single submitter. Criteria: Invitae Variant Classification Sherloc (09022015). Collection method: clinical testing. Allele origin: germline.
Comment: This sequence change replaces glycine, which is neutral and non-polar, with serine, which is neutral and polar, at codon 51 of the LZTS1 protein (p.Gly51Ser). This variant is present in population databases (rs367756245, gnomAD 0.01%). This variant has not been reported in the literature in individuals affected with LZTS1-related conditions. ClinVar contains an entry for this variant (Variation ID: 2084429). Invitae Evidence Modeling of protein sequence and biophysical properties (such as structural, functional, and spatial information, amino acid conservation, physicochemical variation, residue mobility, and thermodynamic stability) indicates that this missense variant is not expected to disrupt LZTS1 protein function with a negative predictive value of 80%. In summary, the available evidence is currently insufficient to determine the role of this variant in disease. Therefore, it has been classified as a Variant of Uncertain Significance.

Ambry Genetics
Classification: Uncertain significance. Last evaluated: 2025-08-07. Review status: criteria provided, single submitter. Criteria: Ambry Variant Classification Scheme 2023. Collection method: clinical testing. Allele origin: germline.